The following is an entry in ClinVar:

ClinVar aggregate classification (germline): Likely benign. Review status: criteria provided, multiple submitters, no conflicts (2 of 4 stars). 3 submissions from 3 submitters: Likely benign (3). Last evaluated 2025-12-30.

Allele frequency attached by ClinVar (database versions not stated): gnomAD 0.00009 and 0.00017; TOPMed 0.00013; gnomAD exomes 0.00023; ExAC 0.00038; 1000 Genomes Project 0.00100; 1000 Genomes Project 30x 0.00109.
gnomAD v4.1: 138 of 1,556,130 alleles (0.0089%); highest among the groups gnomAD compares: East Asian, 0.21%; no homozygotes.

Submissions (3):

Labcorp Genetics (formerly Invitae), Labcorp
Classification: Likely benign. Last evaluated: 2025-12-30. Review status: criteria provided, single submitter. Criteria: Invitae Variant Classification Sherloc (09022015). Collection method: clinical testing. Allele origin: germline.

Blueprint Genetics
Classification: Likely benign. Last evaluated: 2024-05-03. Review status: criteria provided, single submitter. Criteria: ACMG Guidelines, 2015. Collection method: clinical testing. Allele origin: germline.

GeneDx
Classification: Likely benign. Last evaluated: 2018-02-06. Review status: criteria provided, single submitter. Criteria: GeneDx Variant Classification (06012015). Collection method: clinical testing. Allele origin: germline. Affected: yes.
Comment: This variant is considered likely benign or benign based on one or more of the following criteria: it is a conservative change, it occurs at a poorly conserved position in the protein, it is predicted to be benign by multiple in silico algorithms, and/or has population frequency not consistent with disease.

NM_024407.5(NDUFS7):c.544+15G>A

Gene: NDUFS7 (NADH:ubiquinone oxidoreductase core subunit S7; plus strand). Cytogenetic location: 19p13.3.
Variant type: single nucleotide variant.
Coding change: c.544+15G>A on transcript NM_024407.5 (MANE Select); 15 bases into the intron after coding-DNA position 544, G replaced by A.
Molecular consequence: intron variant.
Genome position (GRCh38, 1-based): chr19:1,393,345, G>A. VCF-style: chr19-1393345-G-A. GRCh37 (hg19) VCF-style: chr19-1393344-G-A.
Other names: c.544+15G>A (NM_001363602.2).
Identifiers: ClinVar variation 506780 (VCV000506780.7), dbSNP rs201420030, ClinGen allele CA9043429.